The following is an entry in ClinVar:

ClinVar aggregate classification (germline): Uncertain significance. Review status: criteria provided, multiple submitters, no conflicts (2 of 4 stars). 2 submissions from 2 submitters: Uncertain significance (2). Last evaluated 2023-10-26.

Conditions:
Inborn genetic diseases. Identifiers: MedGen C0950123, MeSH D030342.

gnomAD v4.1: 1 of 1,591,002 alleles (0.000063%); highest among the groups gnomAD compares: African/African-American, 0.0013%; no homozygotes.

Submissions (2):

GeneDx
Classification: Uncertain significance. Last evaluated: 2023-10-26. Review status: criteria provided, single submitter. Criteria: GeneDx Variant Classification Process June 2021. Collection method: clinical testing. Allele origin: germline.
Comment: Not observed at significant frequency in large population cohorts (gnomAD); In silico analysis supports that this missense variant does not alter protein structure/function; Has not been previously published as pathogenic or benign to our knowledge

Ambry Genetics
Classification: Uncertain significance for Inborn genetic diseases. Last evaluated: 2021-06-22. Review status: criteria provided, single submitter. Criteria: Ambry Variant Classification Scheme 2023. Collection method: clinical testing. Allele origin: germline.

NM_014727.3(KMT2B):c.4453C>G (p.Pro1485Ala)

Gene: KMT2B (lysine methyltransferase 2B; plus strand). Cytogenetic location: 19q13.12.
Variant type: single nucleotide variant.
Coding change: c.4453C>G on transcript NM_014727.3 (MANE Select); coding-DNA position 4453, C replaced by G.
Protein change: p.Pro1485Ala; replaces proline 1485 with alanine.
Molecular consequence: missense variant.
Genome position (GRCh38, 1-based): chr19:35,727,941, C>G. VCF-style: chr19-35727941-C-G. GRCh37 (hg19) VCF-style: chr19-36218842-C-G.
Other names: c.4453C>G (NM_014727.2); short protein forms P1485A.
Identifiers: ClinVar variation 2234467 (VCV002234467.4), dbSNP rs1407836135, ClinGen allele CA405414079.